The following is an entry in ClinVar:

ClinVar aggregate classification (germline): Uncertain significance (1 of 4 stars; one submission).

Conditions:
Pitt-Hopkins syndrome (PTHS). Also called: ENCEPHALOPATHY, SEVERE EPILEPTIC, WITH AUTONOMIC DYSFUNCTION; MENTAL RETARDATION, SYNDROMAL, WITH INTERMITTENT HYPERVENTILATION. Identifiers: Orphanet 2896, MedGen C1970431, MONDO:0012589, OMIM 610954.

Submission:

Labcorp Genetics (formerly Invitae), Labcorp
Classification: Uncertain significance for Pitt-Hopkins syndrome. Last evaluated: 2024-04-08. Review status: criteria provided, single submitter. Criteria: Invitae Variant Classification Sherloc (09022015). Collection method: clinical testing. Allele origin: germline.
Comment: This sequence change replaces arginine, which is basic and polar, with histidine, which is basic and polar, at codon 455 of the TCF4 protein (p.Arg455His). This variant is not present in population databases (gnomAD no frequency). This variant has not been reported in the literature in individuals affected with TCF4-related conditions. Advanced modeling of protein sequence and biophysical properties (such as structural, functional, and spatial information, amino acid conservation, physicochemical variation, residue mobility, and thermodynamic stability) performed at Invitae indicates that this missense variant is not expected to disrupt TCF4 protein function with a negative predictive value of 95%. In summary, the available evidence is currently insufficient to determine the role of this variant in disease. Therefore, it has been classified as a Variant of Uncertain Significance.

NM_001083962.2(TCF4):c.1364G>A (p.Arg455His)

Genes: TCF4 (transcription factor 4; minus strand), LOC121627832 (Sharpr-MPRA regulatory region 5538; plus strand). Cytogenetic location: 18q21.2.
Variant type: single nucleotide variant.
Coding change: c.1364G>A on transcript NM_001083962.2 (MANE Select); coding-DNA position 1364, G replaced by A.
Protein change: p.Arg455His; replaces arginine 455 with histidine.
Molecular consequence: missense variant.
Genome position (GRCh38, 1-based): chr18:55,234,670, C>T on the plus strand (G>A on the coding strand, the complement: TCF4 is on the minus strand). VCF-style: chr18-55234670-C-T. GRCh37 (hg19) VCF-style: chr18-52901901-C-T.
Other names: c.884G>A, p.Arg295His (NM_001243236.2, NM_001243234.2, NM_001243235.2 and 1 more transcripts); c.1292G>A, p.Arg431His (NM_001306207.1, NM_001369575.1, NM_001369582.1 and 5 more transcripts); c.1151G>A, p.Arg384His (NM_001306208.1, NM_001243232.1); c.1361G>A, p.Arg454His (NM_001330604.3, NM_001369573.1, NM_001369574.1 and 2 more transcripts); c.974G>A, p.Arg325His (NM_001330605.3, NM_001348212.2, NM_001348213.2 and 1 more transcripts); c.1238G>A, p.Arg413His (NM_001348211.2, NM_001243231.2); c.881G>A, p.Arg294His (NM_001348214.2); c.1364G>A, p.Arg455His (NM_001369571.1, NM_001369572.1, NM_003199.3 and 2 more transcripts); and 6 more; short protein forms R325H, R452H, R455H, R295H, R432H, R454H, R461H, R239H.
Identifiers: ClinVar variation 3648301 (VCV003648301.2).